The following is an entry in ClinVar:

ClinVar aggregate classification (germline): Uncertain significance. Review status: reviewed by expert panel (3 of 4 stars). 14 submissions from 14 submitters: Uncertain significance (1). 13 of the submissions do not count toward it. Last evaluated 2024-06-25.

Conditions:
Inherited phaeochromocytoma and paraganglioma excluding NF1.
Von Hippel-Lindau syndrome (VHLS). Also called: Von Hippel-Lindau; von Hippel–Lindau syndrome; VHL syndrome. Identifiers: Orphanet 892, MedGen C0019562, MONDO:0008667, OMIM 193300. Disease mechanism: loss of function.
Chuvash polycythemia. Also called: POLYCYTHEMIA, VHL-DEPENDENT. Identifiers: Orphanet 238557, MedGen C1837915, MONDO:0009892, OMIM 263400.
Hereditary cancer-predisposing syndrome. Also called: Hereditary Cancer Syndrome; Hereditary neoplastic syndrome; Neoplastic Syndromes, Hereditary; Tumor predisposition. Identifiers: Orphanet 140162, MedGen C0027672, MeSH D009386, MONDO:0015356.

Allele frequency attached by ClinVar (database versions not stated): gnomAD exomes 0.00004 and 0.00002; TOPMed 0.00002; ExAC 0.00004.

Submissions 1 to 7 of 14:

ClinGen VHL Variant Curation Expert Panel, ClinGen
Classification: Uncertain significance for Von Hippel-Lindau syndrome. Last evaluated: 2024-06-25. Review status: reviewed by expert panel. Criteria: ClinGen VHL VCEP ACMG Specifications VHL V1. Collection method: curation. Allele origin: germline. Inheritance: Autosomal dominant inheritance.
Comment: The variant NM_000551.4(VHL):c.376G>A (p.Asp126Asn) is a missense variant predicted to cause substitution of Aspartic acid by Asparagine at position 126. The GroupMax Filtering Allele Frequency (95% CI) in gnomAD v4.1.0 is 0.00003260 (50/1111878 from European, Non-Finnish Population). This is higher than the ClinGen VHL VCEP threshold of >=0.0000156 (0.00156%) threshold expected for VHL disease (BS1). However, this variant fulfills several pathogenic evidence codes as follows. This variant has been seen 12 times in testing at Invitae with 3 cases bearing VHL tumors, 3 times at GeneDX with no cases presenting VHL tumors, and 19 times at Ambry with 2 cases including VHL tumors. For the observed cases without VHL spectrum tumors, they either had no personal history of cancer or non-VHL cancers. None were >65yo and lacked VHL-spectrum tumors. In total, the case points calculated are 2.5 points which sums to PS4_Moderate. One HIF-a degradation assay using this variant showed modest / intermediate inability to degrade HIF-a (PMIDs:21454469), but does not meet the criteria for PS3_Supporting. This variant resides within a region of VHL that is defined as a critical functional domain (the Beta Domain) (PM1). The computational predictor REVEL gives a score of 0.716, which is above the threshold of >0.664, evidence that correlates with impact to VHL function (PP3). In summary, due to the prevalence of this variant in the gnomAD and numerous cases lacking VHL tumors (though not above the threshold of 65yrs to fulfill the benign criteria) as well as weak/intermediate functional evidence, this variant meets the criteria to be classified as Uncertain for autosomal-dominant von Hippel Lindau syndrome (VHL syndrome) based on the ACMG/AMP criteria applied, as specified by the ClinGen VHL VCEP Version 1.0 (Specifications approval date: 02/26/2024. Variant Approval Date 06/25/2024).

NHS Central & South Genomic Laboratory Hub
Classification: Uncertain significance for Inherited phaeochromocytoma and paraganglioma excluding NF1. Last evaluated: 2026-04-22. Review status: criteria provided, single submitter. Criteria: ACMG Guidelines, 2015. Collection method: clinical testing. Allele origin: germline. Affected: yes. Not counted in ClinVar's aggregate classification.

Labcorp Genetics (formerly Invitae), Labcorp
Classification: Pathogenic for Von Hippel-Lindau syndrome; Chuvash polycythemia. Last evaluated: 2025-12-15. Review status: criteria provided, single submitter. Criteria: Invitae Variant Classification Sherloc (09022015). Collection method: clinical testing. Allele origin: germline. Not counted in ClinVar's aggregate classification.
Comment: This sequence change replaces aspartic acid, which is acidic and polar, with asparagine, which is neutral and polar, at codon 126 of the VHL protein (p.Asp126Asn). This variant is present in population databases (rs104893831, gnomAD 0.004%). This missense change has been observed in individual(s) with autosomal recessive erythrocytosis and pulmonary hypertension, and/or polycythemia and pulmonary hypertension (PMID: 21454469, 30338240, 35734542). In at least one individual the data is consistent with being in trans (on the opposite chromosome) from a pathogenic variant. This variant has been reported in individual(s) with clinical features of autosomal dominant von Hippel-Lindau syndrome, as well as in unaffected individuals (external communication, internal data); however, the role of the variant in this condition is currently unclear. ClinVar contains an entry for this variant (Variation ID: 141044). Invitae Evidence Modeling of protein sequence and biophysical properties (such as structural, functional, and spatial information, amino acid conservation, physicochemical variation, residue mobility, and thermodynamic stability) indicates that this missense variant is expected to disrupt VHL protein function with a positive predictive value of 95%. Experimental studies have shown that this missense change affects VHL function (PMID: 21454469). In summary, this variant has been classified as Pathogenic for autosomal recessive erythrocytosis. However, the risk conferred by this variant is uncertain for autosomal dominant von Hippel-Lindau syndrome.

Ambry Genetics
Classification: Uncertain significance for Hereditary cancer-predisposing syndrome. Last evaluated: 2025-09-04. Review status: criteria provided, single submitter. Criteria: Ambry Variant Classification Scheme 2023. Collection method: clinical testing. Allele origin: germline. Not counted in ClinVar's aggregate classification.
Comment: The p.D126N variant (also known as c.376G>A), located in coding exon 2 of the VHL gene, results from a G to A substitution at nucleotide position 376. The aspartic acid at codon 126 is replaced by asparagine, an amino acid with highly similar properties. This alteration was also identified in a child with congenital pulmonary arterial hypertension, along with a second VHL variant, p.S183L; functional studies on both variants found that they both impair the ability of VHL to regulate hypoxia-inducible factors (HIF) (Bond, J et al. Blood. 2011 Mar 31;117(13):3699-701).This variant was determined to be functionally neutral in one saturation genome editing assay (Buckley M et al. Nat Genet 2024 Jul;56(7):1446-1455).This variant was detected as heterozygous in individuals with no reported features of von Hippel-Lindau syndrome (Ambry internal data). This amino acid position is highly conserved in available vertebrate species. In addition, the in silico prediction for this alteration is inconclusive. Based on the available evidence, the clinical significance of this variant remains unclear.

Women's Health and Genetics/Laboratory Corporation of America, LabCorp
Classification: Pathogenic for Chuvash polycythemia. Last evaluated: 2024-12-25. Review status: criteria provided, single submitter. Criteria: LabCorp Variant Classification Summary - May 2015. Collection method: clinical testing. Allele origin: germline. Not counted in ClinVar's aggregate classification.
Comment: Variant summary: VHL c.376G>A (p.Asp126Asn) results in a conservative amino acid change located in the von Hippel-Lindau disease tumour suppressor, beta domain of the encoded protein sequence. Four of five in-silico tools predict a damaging effect of the variant on protein function. The variant allele was found at a frequency of 2e-05 in 251494 control chromosomes. c.376G>A has been reported in the literature as a biallelic compound heterozygous or homozygous genotype in multiple individuals affected with autosomal recessive erythrocytosis and pulmonary hypertension, and/or polycythemia and pulmonary hypertension (example, Bond_2011, Sarangi_2014, Chomette_2022). This variant has also been observed in individuals with features of autosomal dominant von Hippel-Lindau syndrome, as well as in unaffected individuals (external communication, internal data); however, the role of the variant in this condition is currently unclear. These data indicate that the variant is very likely to be associated with disease. One publication reports experimental evidence evaluating an impact on protein function. This variant exhibited an intermediate effect in increasing media pH, imparing the ability of VHL to regulate HIF, and destabilizing VHL protein (Bond_2011). The following publications have been ascertained in the context of this evaluation (PMID: 21454469, 35734542, 24729484). ClinVar contains an entry for this variant (Variation ID: 141044). Based on the evidence outlined above, while the clinical significance of the variant for AD Von Hippel-Lindau Syndrome could not be established, this variant is pathogenic for AR erythrocytosis (OMIM 263400).

Department of Clinical Genetics, Medical University of Lodz
Classification: Likely pathogenic for Von Hippel-Lindau syndrome. Last evaluated: 2024-12-03. Review status: criteria provided, single submitter. Criteria: ACMG Guidelines, 2015. Collection method: clinical testing. Allele origin: somatic. Inheritance: Autosomal dominant inheritance. Affected: yes. Observed: 1 variant allele. Not counted in ClinVar's aggregate classification.

Genomic Medicine Center of Excellence, King Faisal Specialist Hospital and Research Centre
Classification: Likely pathogenic for Chuvash polycythemia. Last evaluated: 2024-03-29. Review status: criteria provided, single submitter. Criteria: ACMG Guidelines, 2015. Collection method: clinical testing. Allele origin: germline. Not counted in ClinVar's aggregate classification.

NM_000551.4(VHL):c.376G>A (p.Asp126Asn)

Genes: VHL (von Hippel-Lindau tumor suppressor; plus strand), LOC107303340 (3p25 von Hippel-Lindau tumor suppressor, E3 ubiquitin protein ligase Alu-mediated recombination region; plus strand). Cytogenetic location: 3p25.3.
Variant type: single nucleotide variant.
Coding change: c.376G>A on transcript NM_000551.4 (MANE Select); coding-DNA position 376, G replaced by A.
Protein change: p.Asp126Asn; replaces aspartic acid 126 with asparagine.
Molecular consequence: missense variant. On other transcripts: intron variant (2).
Genome position (GRCh38, 1-based): chr3:10,146,549, G>A. VCF-style: chr3-10146549-G-A. GRCh37 (hg19) VCF-style: chr3-10188233-G-A.
Other names: NM_000551.4(VHL):c.376G>A; p.Asp126Asn; c.*18-3238G>A (NM_001354723.2); c.341-3238G>A (NM_198156.3); short protein forms D126N.
Identifiers: ClinVar variation 141044 (VCV000141044.28), dbSNP rs104893831, ClinGen allele CA020313.